The following is an entry in ClinVar:

NM_001374736.1(DST):c.20761C>T (p.His6921Tyr)

Gene: DST (dystonin; minus strand). Cytogenetic location: 6p12.1.
Variant type: single nucleotide variant.
Coding change: c.20761C>T on transcript NM_001374736.1 (MANE Select); coding-DNA position 20761, C replaced by T.
Protein change: p.His6921Tyr; replaces histidine 6921 with tyrosine.
Molecular consequence: missense variant.
Genome position (GRCh38, 1-based): chr6:56,489,606, G>A on the plus strand (C>T on the coding strand, the complement: DST is on the minus strand). VCF-style: chr6-56489606-G-A. GRCh37 (hg19) VCF-style: chr6-56354404-G-A.
Other names: c.14404C>T, p.His4802Tyr (NM_001144769.5); c.13990C>T, p.His4664Tyr (NM_001144770.2); c.20761C>T, p.His6921Tyr (NM_001374722.1); c.19801C>T, p.His6601Tyr (NM_001374729.1); c.13543C>T, p.His4515Tyr (NM_001374730.1); c.20788C>T, p.His6930Tyr (NM_001374734.1); c.13870C>T, p.His4624Tyr (NM_001386100.1, NM_183380.4); c.12892C>T, p.His4298Tyr (NM_015548.5); short protein forms H4298Y, H4515Y, H4624Y, H4664Y, H4802Y, H6601Y, H6921Y, H6930Y.
Identifiers: ClinVar variation 1011779 (VCV001011779.7), dbSNP rs2095670422, ClinGen allele CA364515118.
Genomic context (GRCh38, chr6:56,489,606, plus strand): 5'-CAGAATCCAAAGACTTTTCTGACTCTTCTAGCCACTCCATAAGTTTACTCCAAGCTTCAT[G>A]GAACTAGAAAGAAATTCACACCTTTGTCTGAAAATTTTTCAAGCATATTATACTTGAGAT-3'
Protein context (NP_001361665.1, residues 6911-6931): DDARKRAKQF[His6921Tyr]EAWSKLMEWL

ClinVar aggregate classification (germline): Uncertain significance (1 of 4 stars; one submission).

Conditions:
Hereditary sensory and autonomic neuropathy type 6. Also called: HSAN VI; Neuropathy, hereditary sensory and autonomic, type VI. Identifiers: Orphanet 314381, MedGen C3539003, MONDO:0013839, OMIM 614653.
Epidermolysis bullosa simplex 3, localized or generalized intermediate, with BP230 deficiency (EBS3). Also called: Epidermolysis bullosa simplex, autosomal recessive 2; Epidermolysis bullosa simplex due to BP230 deficiency. Identifiers: Orphanet 412181, MedGen C3809470, MONDO:0014180, OMIM 615425.

Submission:

Labcorp Genetics (formerly Invitae), Labcorp
Classification: Uncertain significance for Epidermolysis bullosa simplex 3, localized or generalized intermediate, with BP230 deficiency; Hereditary sensory and autonomic neuropathy type 6. Last evaluated: 2022-12-06. Review status: criteria provided, single submitter. Criteria: Invitae Variant Classification Sherloc (09022015). Collection method: clinical testing. Allele origin: germline.
Comment: This variant is not present in population databases (gnomAD no frequency). The DST gene has multiple clinically relevant transcripts. This variant occurs in alternate transcript NM_015548.4, and corresponds to NM_001723.5:c.*125911C>T in the primary transcript. This sequence change replaces histidine, which is basic and polar, with tyrosine, which is neutral and polar, at codon 4298 of the DST protein (p.His4298Tyr). This variant has not been reported in the literature in individuals affected with DST-related conditions. Experimental studies and prediction algorithms are not available or were not evaluated, and the functional significance of this variant is currently unknown. In summary, the available evidence is currently insufficient to determine the role of this variant in disease. Therefore, it has been classified as a Variant of Uncertain Significance.